The following is an entry in ClinVar:

ClinVar aggregate classification (germline): Uncertain significance (1 of 4 stars; one submission).

Conditions:
Cardiovascular phenotype. Identifiers: MedGen CN230736.

gnomAD v4.1: 1 of 1,613,948 alleles (0.000062%); highest among the groups gnomAD compares: Non-Finnish European, 0.000085%; no homozygotes.

Submission:

Ambry Genetics
Classification: Uncertain significance for Cardiovascular phenotype. Last evaluated: 2024-08-04. Review status: criteria provided, single submitter. Criteria: Ambry Variant Classification Scheme 2023. Collection method: clinical testing. Allele origin: germline.
Comment: The p.M2104T variant (also known as c.6311T>C), located in coding exon 47 of the ABCA1 gene, results from a T to C substitution at nucleotide position 6311. The methionine at codon 2104 is replaced by threonine, an amino acid with similar properties. This amino acid position is conserved. In addition, this alteration is predicted to be deleterious by in silico analysis. Based on the available evidence, the clinical significance of this variant remains unclear.

NM_005502.4(ABCA1):c.6311T>C (p.Met2104Thr)

Genes: ABCA1 (ATP binding cassette subfamily A member 1; minus strand), NIPSNAP3B (nipsnap homolog 3B; plus strand). Cytogenetic location: 9q31.1.
Variant type: single nucleotide variant.
Coding change: c.6311T>C on transcript NM_005502.4 (MANE Select); coding-DNA position 6311, T replaced by C.
Protein change: p.Met2104Thr; replaces methionine 2104 with threonine.
Molecular consequence: missense variant.
Genome position (GRCh38, 1-based): chr9:104,786,388, A>G on the plus strand (T>C on the coding strand, the complement: ABCA1 is on the minus strand). VCF-style: chr9-104786388-A-G. GRCh37 (hg19) VCF-style: chr9-107548669-A-G.
Other names: short protein forms M2104T.
Identifiers: ClinVar variation 3491910 (VCV003491910.1).